The following is an entry in ClinVar:

NM_017760.7(NCAPG2):c.2655G>C (p.Leu885=)

Gene: NCAPG2 (non-SMC condensin II complex subunit G2; minus strand). Cytogenetic location: 7q36.3.
Variant type: single nucleotide variant.
Coding change: c.2655G>C on transcript NM_017760.7 (MANE Select); coding-DNA position 2655, G replaced by C.
Protein change: p.Leu885=; no amino-acid change (leucine 885 retained).
Molecular consequence: synonymous variant. On other transcripts: non-coding transcript variant (1).
Genome position (GRCh38, 1-based): chr7:158,654,686, C>G on the plus strand (G>C on the coding strand, the complement: NCAPG2 is on the minus strand). VCF-style: chr7-158654686-C-G. GRCh37 (hg19) VCF-style: chr7-158447378-C-G.
Other names: c.2655G>C, p.Leu885= (NM_001281932.2, NM_001281933.2).
Identifiers: ClinVar variation 3905594 (VCV003905594.10).

ClinVar aggregate classification (germline): Likely benign (1 of 4 stars; one submission).

Submission:

CeGaT Center for Human Genetics Tuebingen
Classification: Likely benign. Last evaluated: 2025-05-01. Review status: criteria provided, single submitter. Criteria: CeGaT Center For Human Genetics Tuebingen Variant Classification Criteria Version 2. Collection method: clinical testing. Allele origin: germline. Affected: yes. Observed: 1 variant allele.
Comment: NCAPG2: PM2:Supporting, BP4, BP7